The following is an entry in ClinVar:

NM_001035.3(RYR2):c.14592T>C (p.Gly4864=)

Gene: RYR2 (ryanodine receptor 2; plus strand). Cytogenetic location: 1q43.
Variant type: single nucleotide variant.
Coding change: c.14592T>C on transcript NM_001035.3 (MANE Select); coding-DNA position 14592, T replaced by C.
Protein change: p.Gly4864=; no amino-acid change (glycine 4864 retained).
Molecular consequence: synonymous variant.
Genome position (GRCh38, 1-based): chr1:237,828,382, T>C. VCF-style: chr1-237828382-T-C. GRCh37 (hg19) VCF-style: chr1-237991682-T-C.
Other names: c.14592T>C, p.Gly4864= (LRG_402t1).
Identifiers: ClinVar variation 382240 (VCV000382240.7), dbSNP rs774554572, ClinGen allele CA085688.

ClinVar aggregate classification (germline): Likely benign. Review status: criteria provided, multiple submitters, no conflicts (2 of 4 stars). 4 submissions from 4 submitters: Likely benign (4). Last evaluated 2024-04-14.

Conditions:
Catecholaminergic polymorphic ventricular tachycardia (CVPT). Also called: Catecholamine-induced polymorphic ventricular tachycardia. Identifiers: Orphanet 3286, MedGen C5574922, MONDO:0017990.
Catecholaminergic polymorphic ventricular tachycardia 1. Also called: RYR2-Related Catecholaminergic Polymorphic Ventricular Tachycardia; VENTRICULAR TACHYCARDIA, STRESS-INDUCED POLYMORPHIC 1; VENTRICULAR TACHYCARDIA, CATECHOLAMINERGIC POLYMORPHIC, 1, WITH OR WITHOUT ATRIAL DYSFUNCTION AND/OR DILATED CARDIOMYOPATHY. Identifiers: Orphanet 3286, MedGen C1631597, MONDO:0011484, OMIM 604772.
Cardiomyopathy (CMYO). Also called: Cardiomyopathies. Identifiers: Orphanet 167848, MedGen C0878544, MONDO:0004994, HP:0001638. Inheritance: Various modes of inheritance.

Allele frequency attached by ClinVar (database versions not stated): ExAC below 0.00001; gnomAD exomes below 0.00001.
gnomAD v4.1: 2 of 1,552,708 alleles (0.00013%); highest among the groups gnomAD compares: Non-Finnish European, 0.000087%; no homozygotes.

Submissions (4):

Labcorp Genetics (formerly Invitae), Labcorp
Classification: Likely benign for Catecholaminergic polymorphic ventricular tachycardia 1. Last evaluated: 2024-04-14. Review status: criteria provided, single submitter. Criteria: Invitae Variant Classification Sherloc (09022015). Collection method: clinical testing. Allele origin: germline.

All of Us Research Program, National Institutes of Health
Classification: Likely benign for Catecholaminergic polymorphic ventricular tachycardia. Last evaluated: 2023-05-16. Review status: criteria provided, single submitter. Criteria: ACMG Guidelines, 2015. Collection method: clinical testing. Allele origin: germline. Inheritance: Autosomal dominant inheritance. Observed: 1 variant allele, 1 heterozygote.
Comment: This study involves interpretation of variants in research participants for the purpose of population health screening. Participant phenotype was not available at the time of variant classification. Additional details can be found in publication PMID: 35346344, PMCID: PMC8962531

Color Diagnostics, LLC DBA Color Health
Classification: Likely benign for Cardiomyopathy. Last evaluated: 2023-05-09. Review status: criteria provided, single submitter. Criteria: ACMG Guidelines, 2015. Collection method: clinical testing. Allele origin: germline.

GeneDx
Classification: Likely benign. Last evaluated: 2015-12-10. Review status: criteria provided, single submitter. Criteria: GeneDx Variant Classification (06012015). Collection method: clinical testing. Allele origin: germline. Affected: yes.
Comment: This variant is considered likely benign or benign based on one or more of the following criteria: it is a conservative change, it occurs at a poorly conserved position in the protein, it is predicted to be benign by multiple in silico algorithms, and/or has population frequency not consistent with disease.